The following is an entry in ClinVar:

NM_001378615.1(CC2D2A):c.4697T>C (p.Met1566Thr)

Genes: CC2D2A (coiled-coil and C2 domain containing 2A; plus strand), FBXL5 (F-box and leucine rich repeat protein 5; minus strand). Cytogenetic location: 4p15.32.
Variant type: single nucleotide variant.
Coding change: c.4697T>C on transcript NM_001378615.1 (MANE Select); coding-DNA position 4697, T replaced by C.
Protein change: p.Met1566Thr; replaces methionine 1566 with threonine.
Molecular consequence: missense variant.
Genome position (GRCh38, 1-based): chr4:15,601,259, T>C. VCF-style: chr4-15601259-T-C. GRCh37 (hg19) VCF-style: chr4-15602882-T-C.
Other names: c.4697T>C, p.Met1566Thr (NM_001080522.2); c.4550T>C, p.Met1517Thr (NM_001378617.1); short protein forms M1517T, M1566T.
Identifiers: ClinVar variation 1013489 (VCV001013489.42), dbSNP rs762773515, ClinGen allele CA2864460.

ClinVar aggregate classification (germline): Conflicting classifications of pathogenicity. Review status: criteria provided, conflicting classifications (1 of 4 stars). 3 submissions from 3 submitters: Likely pathogenic (1); Uncertain significance (2). Last evaluated 2023-12-11.

Conditions:
Inborn genetic diseases. Identifiers: MedGen C0950123, MeSH D030342.
Joubert syndrome. Also called: JOUBERT-BOLTSHAUSER SYNDROME; Familial aplasia of the vermis. Identifiers: Orphanet 475, MedGen C5979921, MONDO:0018772.
Meckel-Gruber syndrome. Also called: Dysencephalia splachnocystica; DYSENCEPHALIA SPLANCHNOCYSTICA; GRUBER SYNDROME. Identifiers: Orphanet 564, MedGen C0265215, MONDO:0018921.

Allele frequency attached by ClinVar (database versions not stated): gnomAD 0.00001; TOPMed 0.00001.

Submissions (3):

Ambry Genetics
Classification: Uncertain significance for Inborn genetic diseases. Last evaluated: 2023-12-11. Review status: criteria provided, single submitter. Criteria: Ambry Variant Classification Scheme 2023. Collection method: clinical testing. Allele origin: germline.

Labcorp Genetics (formerly Invitae), Labcorp
Classification: Uncertain significance for Joubert syndrome; Meckel-Gruber syndrome. Last evaluated: 2023-12-05. Review status: criteria provided, single submitter. Criteria: Invitae Variant Classification Sherloc (09022015). Collection method: clinical testing. Allele origin: germline.
Comment: This sequence change replaces methionine, which is neutral and non-polar, with threonine, which is neutral and polar, at codon 1566 of the CC2D2A protein (p.Met1566Thr). This variant is present in population databases (rs762773515, gnomAD 0.002%). This missense change has been observed in individual(s) with Joubert syndrome (Invitae). ClinVar contains an entry for this variant (Variation ID: 1013489). Advanced modeling of protein sequence and biophysical properties (such as structural, functional, and spatial information, amino acid conservation, physicochemical variation, residue mobility, and thermodynamic stability) has been performed at Invitae for this missense variant, however the output from this modeling did not meet the statistical confidence thresholds required to predict the impact of this variant on CC2D2A protein function. In summary, the available evidence is currently insufficient to determine the role of this variant in disease. Therefore, it has been classified as a Variant of Uncertain Significance.

CeGaT Center for Human Genetics Tuebingen
Classification: Likely pathogenic. Last evaluated: 2021-08-01. Review status: criteria provided, single submitter. Criteria: CeGaT Center For Human Genetics Tuebingen Variant Classification Criteria Version 2. Collection method: clinical testing. Allele origin: germline. Affected: yes. Observed: 1 variant allele.